The following is an entry in ClinVar:

ClinVar aggregate classification (germline): Uncertain significance. Review status: criteria provided, multiple submitters, no conflicts (2 of 4 stars). 3 submissions from 3 submitters: Uncertain significance (3). Last evaluated 2023-12-06.

Conditions:
Developmental and epileptic encephalopathy. Identifiers: MedGen C5779964, MONDO:0100620.
Early-infantile DEE. Also called: Early infantile epileptic encephalopathy; Ohtahara syndrome; Early infantile epileptic encephalopathy with suppression bursts. Identifiers: Orphanet 1934, MedGen C0393706, MONDO:0800491.

Allele frequency attached by ClinVar (database versions not stated): gnomAD 0.00001; gnomAD exomes 0.00001.
gnomAD v4.1: 15 of 1,597,116 alleles (0.00094%); highest among the groups gnomAD compares: Non-Finnish European, 0.0013%; no homozygotes.

Submissions (3):

Labcorp Genetics (formerly Invitae), Labcorp
Classification: Uncertain significance for Early-infantile DEE. Last evaluated: 2023-12-06. Review status: criteria provided, single submitter. Criteria: Invitae Variant Classification Sherloc (09022015). Collection method: clinical testing. Allele origin: germline.
Comment: This sequence change falls in intron 25 of the SPTAN1 gene. It does not directly change the encoded amino acid sequence of the SPTAN1 protein. It affects a nucleotide within the consensus splice site. This variant is present in population databases (no rsID available, gnomAD 0.007%). This variant has not been reported in the literature in individuals affected with SPTAN1-related conditions. ClinVar contains an entry for this variant (Variation ID: 448477). Variants that disrupt the consensus splice site are a relatively common cause of aberrant splicing (PMID: 17576681, 9536098). Algorithms developed to predict the effect of sequence changes on RNA splicing suggest that this variant is not likely to affect RNA splicing. In summary, the available evidence is currently insufficient to determine the role of this variant in disease. Therefore, it has been classified as a Variant of Uncertain Significance.

Department of Pathology and Laboratory Medicine, Sinai Health System
Classification: Uncertain significance for developmental and epileptic encephalopathy. Last evaluated: 2021-11-15. Review status: criteria provided, single submitter. Criteria: ACMG Guidelines, 2015. Collection method: research. Allele origin: germline.

Athena Diagnostics
Classification: Uncertain significance. Last evaluated: 2016-09-30. Review status: criteria provided, single submitter. Criteria: Athena Diagnostics Criteria. Collection method: clinical testing. Allele origin: germline.

Literature cited by the submitters: PubMed 17576681 (cited by Labcorp Genetics (formerly Invitae), Labcorp); PubMed 9536098 (cited by Labcorp Genetics (formerly Invitae), Labcorp).

NM_001130438.3(SPTAN1):c.3519+5G>T

Gene: SPTAN1 (spectrin alpha, non-erythrocytic 1; plus strand). Cytogenetic location: 9q34.11.
Variant type: single nucleotide variant.
Coding change: c.3519+5G>T on transcript NM_001130438.3 (MANE Select); 5 bases into the intron after coding-DNA position 3519, G replaced by T.
Molecular consequence: intron variant.
Genome position (GRCh38, 1-based): chr9:128,598,509, G>T. VCF-style: chr9-128598509-G-T. GRCh37 (hg19) VCF-style: chr9-131360788-G-T.
Other names: c.3519+5G>T (NM_001363759.2, NM_003127.4); c.3459+5G>T (NM_001363765.2, NM_001195532.2).
Identifiers: ClinVar variation 448477 (VCV000448477.5), dbSNP rs915019884, ClinGen allele CA200392263.